The following is an entry in ClinVar:

NM_000169.3(GLA):c.97G>T (p.Asp33Tyr)

Genes: GLA (galactosidase alpha; minus strand), RPL36A-HNRNPH2 (RPL36A-HNRNPH2 readthrough; plus strand). Cytogenetic location: Xq22.1.
Variant type: single nucleotide variant.
Coding change: c.97G>T on transcript NM_000169.3 (MANE Select); coding-DNA position 97, G replaced by T.
Protein change: p.Asp33Tyr; replaces aspartic acid 33 with tyrosine.
Molecular consequence: missense variant. On other transcripts: non-coding transcript variant (3), intron variant (2).
Genome position (GRCh38, 1-based): chrX:101,407,807, C>A on the plus strand (G>T on the coding strand, the complement: GLA is on the minus strand). VCF-style: chrX-101407807-C-A. GRCh37 (hg19) VCF-style: chrX-100662795-C-A.
Other names: c.97G>T, p.Asp33Tyr (NM_001406747.1, NM_001406748.1, NM_001406749.1); c.301-4129C>A (NM_001199973.2); c.178-4129C>A (NM_001199974.2); short protein forms D33Y.
Identifiers: ClinVar variation 4087438 (VCV004087438.2).

ClinVar aggregate classification (germline): Likely pathogenic (1 of 4 stars; one submission).

Conditions:
Fabry disease. Also called: ALPHA-GALACTOSIDASE A DEFICIENCY; ANDERSON-FABRY DISEASE; CERAMIDE TRIHEXOSIDASE DEFICIENCY; GLA DEFICIENCY; HEREDITARY DYSTOPIC LIPIDOSIS; Angiokeratoma corporis diffusum. Identifiers: Orphanet 324, MedGen C0002986, MONDO:0010526, OMIM 301500, HP:0001071. Disease mechanism: Fabry disease is due to inactivating mutations in the X-linked GLA gene resulting in deficiency of the enzyme Alpha Galactosidase-A., loss of function.

Submission:

Genomenon, Inc
Classification: Likely pathogenic for Fabry disease. Last evaluated: 2026-09-08. Review status: criteria provided, single submitter. Criteria: Genomenon Sequence Variant Interpretation Standards - Updated. Collection method: curation. Allele origin: germline. Affected: yes.
Comment: GLA p.Asp33Tyr (c.97G>T) is a missense variant that changes the amino acid at codon 33 from Aspartic acid to Tyrosine. This variant has been observed in at least one proband with clinical features consistent with Fabry disease (PMID:31372342;32719972;30988410). Functional or patient cell studies have been reported (PMID:27657681;31372342). The presence of pathogenic/likely pathogenic missense variant(s) at the same amino acid position indicates that this residue is likely important for protein function. It is absent or not present at a significant frequency in gnomAD. In silico models predict that this variant is possibly or probably damaging. In conclusion, we classify GLA p.Asp33Tyr (c.97G>T) as a likely pathogenic variant.

Literature cited by the submitters: PubMed 31372342; PubMed 32719972; PubMed 30988410; PubMed 27657681.